The following is an entry in ClinVar:

ClinVar aggregate classification (germline): Pathogenic/Likely pathogenic. Review status: criteria provided, multiple submitters, no conflicts (2 of 4 stars). 2 submissions from 2 submitters: Pathogenic (1); Likely pathogenic (1). Last evaluated 2025-12-10.

Conditions:
JAG1-related disorder. Also called: JAG1-related disorders; JAG1-related condition.
Alagille syndrome due to a JAG1 point mutation. Also called: JAG1-Related Alagille Syndrome; Alagille Syndrome 1; HEPATIC DUCTULAR HYPOPLASIA, SYNDROMATIC. Identifiers: Orphanet 261619, Orphanet 52, MedGen C1956125, MONDO:0016862, OMIM 118450.

Submissions (2):

PreventionGenetics, part of Exact Sciences
Classification: Likely pathogenic for JAG1-related condition. Last evaluated: 2025-12-10. Review status: criteria provided, single submitter. Criteria: ACMG Guidelines, 2015. Collection method: clinical testing. Allele origin: germline.
Comment: The JAG1 c.2113delC variant is predicted to result in a frameshift and premature protein termination (p.Arg705Valfs*38). To our knowledge, this variant has not been reported in the literature or in a large population database (gnomAD), indicating this variant is rare. Frameshift variants in JAG1 are expected to be pathogenic. This variant is interpreted as likely pathogenic.

Labcorp Genetics (formerly Invitae), Labcorp
Classification: Pathogenic for Alagille syndrome due to a JAG1 point mutation. Last evaluated: 2023-11-04. Review status: criteria provided, single submitter. Criteria: Invitae Variant Classification Sherloc (09022015). Collection method: clinical testing. Allele origin: germline.
Comment: This sequence change creates a premature translational stop signal (p.Arg705Valfs*38) in the JAG1 gene. It is expected to result in an absent or disrupted protein product. Loss-of-function variants in JAG1 are known to be pathogenic (PMID: 11180599). This variant is not present in population databases (gnomAD no frequency). This variant has not been reported in the literature in individuals affected with JAG1-related conditions. Algorithms developed to predict the effect of sequence changes on RNA splicing suggest that this variant may disrupt the consensus splice site. For these reasons, this variant has been classified as Pathogenic.

Literature cited by the submitters: PubMed 11180599 (cited by Labcorp Genetics (formerly Invitae), Labcorp).

NM_000214.3(JAG1):c.2113del (p.Arg705fs)

Gene: JAG1 (jagged canonical Notch ligand 1; minus strand). Cytogenetic location: 20p12.2.
Variant type: Deletion.
Coding change: c.2113del on transcript NM_000214.3 (MANE Select); coding-DNA position 2113, one base deleted (C; older notation c.2113delC).
Protein change: p.Arg705fs; shifts the reading frame from arginine 705.
Molecular consequence: frameshift variant.
Genome position (GRCh38, 1-based): chr20:10,645,356, G deleted on the plus strand (C on the coding strand, the reverse complement: JAG1 is on the minus strand). VCF-style (leftmost placement, unchanged base first): chr20-10645355-CG-C. GRCh37 (hg19) VCF-style: chr20-10626003-CG-C.
Other names: c.2113delC (NM_000214.2); short protein forms R705fs.
Identifiers: ClinVar variation 2693265 (VCV002693265.4), dbSNP rs2514513551, ClinGen allele CA2697547301.